The following is an entry in ClinVar:

ClinVar aggregate classification (germline): Uncertain significance (1 of 4 stars; one submission).

Conditions:
Cryopyrin associated periodic syndrome (CAPS). Identifiers: Orphanet 208650, MedGen C2316212, MONDO:0016168.

Allele frequency attached by ClinVar (database versions not stated): gnomAD exomes below 0.00001; TOPMed 0.00001.
gnomAD v4.1: 1 of 1,614,184 alleles (0.000062%); no homozygotes.

Submission:

Labcorp Genetics (formerly Invitae), Labcorp
Classification: Uncertain significance for Cryopyrin associated periodic syndrome. Last evaluated: 2019-05-06. Review status: criteria provided, single submitter. Criteria: Invitae Variant Classification Sherloc (09022015). Collection method: clinical testing. Allele origin: germline.
Comment: In summary, the available evidence is currently insufficient to determine the role of this variant in disease. Therefore, it has been classified as a Variant of Uncertain Significance. Algorithms developed to predict the effect of missense changes on protein structure and function (SIFT, PolyPhen-2, Align-GVGD) all suggest that this variant is likely to be tolerated, but these predictions have not been confirmed by published functional studies and their clinical significance is uncertain. This variant has not been reported in the literature in individuals with NLRP3-related conditions. This variant is not present in population databases (ExAC no frequency). This sequence change replaces methionine with leucine at codon 637 of the NLRP3 protein (p.Met637Leu). The methionine residue is moderately conserved and there is a small physicochemical difference between methionine and leucine.

NM_001243133.2(NLRP3):c.1903A>T (p.Met635Leu)

Gene: NLRP3 (NLR family pyrin domain containing 3; plus strand). Cytogenetic location: 1q44.
Variant type: single nucleotide variant.
Coding change: c.1903A>T on transcript NM_001243133.2 (MANE Select); coding-DNA position 1903, A replaced by T.
Protein change: p.Met635Leu; replaces methionine 635 with leucine.
Molecular consequence: missense variant.
Genome position (GRCh38, 1-based): chr1:247,425,352, A>T. VCF-style: chr1-247425352-A-T. GRCh37 (hg19) VCF-style: chr1-247588654-A-T.
Other names: c.1903A>T, p.Met635Leu (NM_001079821.3, NM_001127461.3, NM_001127462.3 and 1 more transcripts); c.1909A>T, p.Met637Leu (NM_004895.5); short protein forms M635L, M637L.
Identifiers: ClinVar variation 845938 (VCV000845938.9), dbSNP rs1176676245, ClinGen allele CA345558080.
Genomic context (GRCh38, chr1:247,425,352, plus strand): 5'-AAAGCTAAAAAGCTGCAGATCCAGCCCAGCCAGCTGGAATTGTTCTACTGTTTGTACGAG[A>T]TGCAGGAGGAGGACTTCGTGCAAAGGGCCATGGACTATTTCCCCAAGATTGAGATCAATC-3'
Protein context (NP_001230062.1, residues 625-645): QLELFYCLYE[Met635Leu]QEEDFVQRAM